The following is an entry in ClinVar:

NM_001134657.1(PRR23C):c.303C>T (p.Pro101=)

Gene: PRR23C (proline rich 23C; minus strand). Cytogenetic location: 3q23.
Variant type: single nucleotide variant.
Coding change: c.303C>T on transcript NM_001134657.1 (MANE Select); coding-DNA position 303, C replaced by T.
Protein change: p.Pro101=; no amino-acid change (proline 101 retained).
Molecular consequence: synonymous variant.
Genome position (GRCh38, 1-based): chr3:139,044,318, G>A on the plus strand (C>T on the coding strand, the complement: PRR23C is on the minus strand). VCF-style: chr3-139044318-G-A. GRCh37 (hg19) VCF-style: chr3-138763160-G-A.
Identifiers: ClinVar variation 4872718 (VCV004872718.2).

ClinVar aggregate classification (germline): Likely benign (1 of 4 stars; one submission).

Submission:

CeGaT Center for Human Genetics Tuebingen
Classification: Likely benign. Last evaluated: 2026-04-01. Review status: criteria provided, single submitter. Criteria: CeGaT Center For Human Genetics Tuebingen Variant Classification Criteria Version 2. Collection method: clinical testing. Allele origin: germline. Affected: yes. Observed: 1 variant allele.
Comment: PRR23C: BP4, BP7